The following is an entry in ClinVar:

NM_003719.5(PDE8B):c.133G>C (p.Val45Leu)

Gene: PDE8B (phosphodiesterase 8B; plus strand). Cytogenetic location: 5q13.3.
Variant type: single nucleotide variant.
Coding change: c.133G>C on transcript NM_003719.5 (MANE Select); coding-DNA position 133, G replaced by C.
Protein change: p.Val45Leu; replaces valine 45 with leucine.
Molecular consequence: missense variant. On other transcripts: 5 prime UTR variant (1), intron variant (15).
Genome position (GRCh38, 1-based): chr5:77,211,058, G>C. VCF-style: chr5-77211058-G-C. GRCh37 (hg19) VCF-style: chr5-76506883-G-C.
Other names: c.133G>C, p.Val45Leu (NM_001029851.4, NM_001029852.4, NM_001029853.4 and 7 more transcripts); c.-237G>C (NM_001349753.2); c.-34+92537G>C (NM_001414622.1, NM_001414623.1); c.36+30572G>C (NM_001349750.3, NM_001376069.1, NM_001376062.1 and 7 more transcripts); c.-34+1012G>C (NM_001376067.1, NM_001376075.1); c.-31+1012G>C (NM_001376068.1); short protein forms V45L.
Identifiers: ClinVar variation 3341432 (VCV003341432.3).

ClinVar aggregate classification (germline): Uncertain significance. Review status: criteria provided, multiple submitters, no conflicts (2 of 4 stars). 2 submissions from 2 submitters: Uncertain significance (2). Last evaluated 2024-03-28.

Conditions:
Autosomal dominant striatal neurodegeneration type 1. Identifiers: Orphanet 228169, MedGen C4310808, MONDO:0012205, OMIM 609161.

gnomAD v4.1: 3 of 1,525,590 alleles (0.0002%); highest among the groups gnomAD compares: African/African-American, 0.0029%; no homozygotes.

Submissions (2):

Labcorp Genetics (formerly Invitae), Labcorp
Classification: Uncertain significance. Last evaluated: 2024-03-28. Review status: criteria provided, single submitter. Criteria: Invitae Variant Classification Sherloc (09022015). Collection method: clinical testing. Allele origin: germline.
Comment: This sequence change replaces valine, which is neutral and non-polar, with leucine, which is neutral and non-polar, at codon 45 of the PDE8B protein (p.Val45Leu). This variant is not present in population databases (gnomAD no frequency). This variant has not been reported in the literature in individuals affected with PDE8B-related conditions. An algorithm developed to predict the effect of missense changes on protein structure and function (PolyPhen-2) suggests that this variant is likely to be tolerated. In summary, the available evidence is currently insufficient to determine the role of this variant in disease. Therefore, it has been classified as a Variant of Uncertain Significance.

Neuberg Centre For Genomic Medicine, NCGM
Classification: Uncertain significance for Autosomal dominant striatal neurodegeneration type 1. Last evaluated: 2023-05-20. Review status: criteria provided, single submitter. Criteria: ACMG Guidelines, 2015. Collection method: clinical testing. Allele origin: germline. Inheritance: Autosomal dominant inheritance. Affected: yes.
Comment: The missense c.133G>C (p.Val45Leu) variant in the PDE8B gene has not been reported previously as a pathogenic variant nor as a benign variant, to our knowledge. This variant is absent in the gnomAD Exomes. The amino acid Valine at position 45 is changed to a Leucine changing protein sequence and it might alter its composition and physico-chemical properties. Multiple lines of computational evidence (Polyphen - Benign, SIFT - Tolerated and MutationTaster - Polymorphism) predict no damaging effect on protein structure and function for this variant. The amino acid change p.Val45Leu in PDE8B is predicted as conserved by GERP++ and PhyloP across 100 vertebrates. For these reasons, this variant has been classified as Uncertain Significance.